The following is an entry in ClinVar:

NM_005876.5(SPEG):c.8239C>T (p.Arg2747Cys)

Genes: ASIC4-AS1 (ASIC4 antisense RNA 1; minus strand), SPEG (striated muscle enriched protein kinase; plus strand). Cytogenetic location: 2q35.
Variant type: single nucleotide variant.
Coding change: c.8239C>T on transcript NM_005876.5 (MANE Select); coding-DNA position 8239, C replaced by T.
Protein change: p.Arg2747Cys; replaces arginine 2747 with cysteine.
Molecular consequence: missense variant.
Genome position (GRCh38, 1-based): chr2:219,489,143, C>T. VCF-style: chr2-219489143-C-T. GRCh37 (hg19) VCF-style: chr2-220353865-C-T.
Other names: short protein forms R2747C.
Identifiers: ClinVar variation 931481 (VCV000931481.34), dbSNP rs757903145, ClinGen allele CA2127434.
Genomic context (GRCh38, chr2:219,489,143, plus strand): 5'-GGCATCCCCGACTGTTACTACAACGTGACCCACCTGCCAGTTGGCGTGACTGTGAGGTTC[C>T]GTGTGGCCTGTGCCAACCGTGCTGGGCAGGGGCCCTTCAGCAACTCTTCTGAGAAGGTCT-3'
Protein context (NP_005867.3, residues 2737-2757): HLPVGVTVRF[Arg2747Cys]VACANRAGQG

ClinVar aggregate classification (germline): Uncertain significance. Review status: criteria provided, multiple submitters, no conflicts (2 of 4 stars). 4 submissions from 4 submitters: Uncertain significance (4). Last evaluated 2022-12-18.

Conditions:
Myopathy, centronuclear, 5 (CNM5). Identifiers: Orphanet 169186, MedGen C4014814, MONDO:0014418, OMIM 615959.

Allele frequency attached by ClinVar (database versions not stated): gnomAD exomes below 0.00001 and 0.00003; TOPMed below 0.00001; ExAC 0.00001; gnomAD 0.00001.
gnomAD v4.1: 37 of 1,613,880 alleles (0.0023%); highest among the groups gnomAD compares: Non-Finnish European, 0.0031%; no homozygotes.

Submissions (4):

GeneDx
Classification: Uncertain significance. Last evaluated: 2022-12-18. Review status: criteria provided, single submitter. Criteria: GeneDx Variant Classification Process June 2021. Collection method: clinical testing. Allele origin: germline. Affected: yes.
Comment: In silico analysis supports that this missense variant has a deleterious effect on protein structure/function; Has not been previously reported as a pathogenic or benign germline variant to our knowledge; This variant is associated with the following publications: (PMID: 28098136)

CeGaT Center for Human Genetics Tuebingen
Classification: Uncertain significance. Last evaluated: 2022-11-01. Review status: criteria provided, single submitter. Criteria: CeGaT Center For Human Genetics Tuebingen Variant Classification Criteria Version 2. Collection method: clinical testing. Allele origin: germline. Affected: yes. Observed: 1 variant allele.
Comment: SPEG: PM2, PM3:Supporting, PP4

Centre for Mendelian Genomics, University Medical Centre Ljubljana
Classification: Uncertain significance for Myopathy, centronuclear, 5. Last evaluated: 2019-06-22. Review status: criteria provided, single submitter. Criteria: ACMG Guidelines, 2015. Collection method: clinical testing. Allele origin: unknown. Affected: yes.
Comment: This variant was classified as: Uncertain significance. The available evidence favors the pathogenic nature of this variant, however the currently available data is insufficient to conclusively support its pathogenic nature. Thus this variant is classified as Uncertain significance - favor pathogenic. The following ACMG criteria were applied in classifying this variant: PM2,PP3. This variant was detected in homozygous state.

3billion
Classification: Uncertain significance for Myopathy, centronuclear, 5. Review status: criteria provided, single submitter. Criteria: ACMG Guidelines, 2015. Collection method: clinical testing. Allele origin: unknown. Affected: yes. Observed: 1 homozygote.
Comment: The variant is observed at an extremely low frequency in the gnomAD v2.1.1 dataset (total allele frequency: <0.001%). Therefore, this variant is classified as Uncertain significance according to the recommendation of ACMG/AMP guideline.